The following is an entry in ClinVar:

NM_000268.4(NF2):c.619T>C (p.Tyr207His)

Gene: NF2 (NF2, moesin-ezrin-radixin like (MERLIN) tumor suppressor; plus strand). Cytogenetic location: 22q12.2.
Variant type: single nucleotide variant.
Coding change: c.619T>C on transcript NM_000268.4 (MANE Select); coding-DNA position 619, T replaced by C.
Protein change: p.Tyr207His; replaces tyrosine 207 with histidine.
Molecular consequence: missense variant. On other transcripts: non-coding transcript variant (1), intron variant (1).
Genome position (GRCh38, 1-based): chr22:29,658,208, T>C. VCF-style: chr22-29658208-T-C. GRCh37 (hg19) VCF-style: chr22-30054197-T-C.
Other names: c.619T>C, p.Tyr207His (NM_016418.5, NM_181825.3, NM_181832.3); c.493T>C, p.Tyr165His (NM_181828.3); c.496T>C, p.Tyr166His (NM_181829.3); c.370T>C, p.Tyr124His (NM_181830.3, NM_181831.3); c.447+15923T>C (NM_181833.3); short protein forms Y124H, Y166H, Y207H, Y165H.
Identifiers: ClinVar variation 826237 (VCV000826237.5), dbSNP rs1601618565, ClinGen allele CA411143007.

ClinVar aggregate classification (germline): Uncertain significance (1 of 4 stars; one submission).

Conditions:
Hereditary cancer-predisposing syndrome. Also called: Neoplastic Syndromes, Hereditary; Tumor predisposition; Hereditary neoplastic syndrome; Hereditary Cancer Syndrome. Identifiers: Orphanet 140162, MedGen C0027672, MeSH D009386, MONDO:0015356.

Submission:

Ambry Genetics
Classification: Uncertain significance for Hereditary cancer-predisposing syndrome. Last evaluated: 2025-08-06. Review status: criteria provided, single submitter. Criteria: Ambry Variant Classification Scheme 2023. Collection method: clinical testing. Allele origin: germline.
Comment: The p.Y207H variant (also known as c.619T>C), located in coding exon 7 of the NF2 gene, results from a T to C substitution at nucleotide position 619. The tyrosine at codon 207 is replaced by histidine, an amino acid with similar properties. This amino acid position is highly conserved in available vertebrate species. In addition, this alteration is predicted to be deleterious by in silico analysis. Based on the available evidence, the clinical significance of this variant remains unclear.